The following is an entry in ClinVar:

NM_001166160.2(PPP1R9A):c.3374T>C (p.Met1125Thr)

Gene: PPP1R9A (protein phosphatase 1 regulatory subunit 9A; plus strand). Cytogenetic location: 7q21.3.
Variant type: single nucleotide variant.
Coding change: c.3374T>C on transcript NM_001166160.2 (MANE Select); coding-DNA position 3374, T replaced by C.
Protein change: p.Met1125Thr; replaces methionine 1125 with threonine.
Molecular consequence: missense variant. On other transcripts: intron variant (2).
Genome position (GRCh38, 1-based): chr7:95,284,095, T>C. VCF-style: chr7-95284095-T-C. GRCh37 (hg19) VCF-style: chr7-94913407-T-C.
Other names: c.3254T>C, p.Met1085Thr (NM_001166161.1); c.3308T>C, p.Met1103Thr (NM_001166162.1); c.2758-2111T>C (NM_017650.3, NM_001166163.1); short protein forms M1125T, M1085T, M1103T.
Identifiers: ClinVar variation 781651 (VCV000781651.5), dbSNP rs117573976, ClinGen allele CA4349924.

ClinVar aggregate classification (germline): Likely benign. Review status: criteria provided, single submitter (1 of 4 stars). 2 submissions from 2 submitters: Likely benign (1). 1 of the submissions does not count toward it. Last evaluated 2018-12-31.

Conditions:
PPP1R9A-related disorder. Also called: PPP1R9A-related condition.

Allele frequency attached by ClinVar (database versions not stated): 1000 Genomes Project 30x 0.00219; 1000 Genomes Project 0.00220; TOPMed 0.00502; gnomAD 0.00535 and 0.00543; gnomAD exomes 0.00552 and 0.00916; ExAC 0.00574; ESP Exome Variant Server 0.00757.

Submissions (2):

Labcorp Genetics (formerly Invitae), Labcorp
Classification: Likely benign. Last evaluated: 2018-12-31. Review status: criteria provided, single submitter. Criteria: Invitae Variant Classification Sherloc (09022015). Collection method: clinical testing. Allele origin: germline.

PreventionGenetics, part of Exact Sciences
Classification: Benign for PPP1R9A-related condition. Last evaluated: 2019-06-11. Review status: no assertion criteria provided. Collection method: clinical testing. Allele origin: germline. Not counted in ClinVar's aggregate classification.
Comment: This variant is classified as benign based on ACMG/AMP sequence variant interpretation guidelines (Richards et al. 2015 PMID: 25741868, with internal and published modifications).